The following is an entry in ClinVar:

ClinVar aggregate classification (germline): Uncertain significance (1 of 4 stars; one submission).

Submission:

Labcorp Genetics (formerly Invitae), Labcorp
Classification: Uncertain significance. Last evaluated: 2023-08-17. Review status: criteria provided, single submitter. Criteria: Invitae Variant Classification Sherloc (09022015). Collection method: clinical testing. Allele origin: germline.
Comment: This sequence change falls in intron 17 of the ACO2 gene. It does not directly change the encoded amino acid sequence of the ACO2 protein. In summary, the available evidence is currently insufficient to determine the role of this variant in disease. Therefore, it has been classified as a Variant of Uncertain Significance. Experimental studies and prediction algorithms are not available or were not evaluated, and the effect of this variant on mRNA splicing is currently unknown. This variant has not been reported in the literature in individuals affected with ACO2-related conditions. Information on the frequency of this variant in the gnomAD database is not available, as this variant may be reported differently in the database.

NM_001098.3(ACO2):c.2209-12_2209-11delinsAC

Genes: ACO2 (aconitase 2; plus strand), POLR3H (RNA polymerase III subunit H; minus strand). Cytogenetic location: 22q13.2.
Variant type: Indel.
Coding change: c.2209-12_2209-11delinsAC on transcript NM_001098.3 (MANE Select); 12 bases into the intron before coding-DNA position 2209 through 11 bases into the intron before coding-DNA position 2209, TT replaced by AC.
Molecular consequence: intron variant. On other transcripts: 3 prime UTR variant (5).
Genome position (GRCh38, 1-based): chr22:41,528,467-41,528,468, TT replaced by AC. VCF-style: chr22-41528467-TT-AC. GRCh37 (hg19) VCF-style: chr22-41924471-TT-AC.
Other names: c.*815_*816delinsGT (NM_001018050.4, NM_001018052.4, NM_001282884.2 and 2 more transcripts).
Identifiers: ClinVar variation 2776493 (VCV002776493.3), dbSNP rs2518246223, ClinGen allele CA2739268011.
Genomic context (GRCh38, chr22:41,528,467, plus strand): 5'-CCCTGACCCCCCTGCGGGGCCAAGGGCACACAGTACCCACCACTTCCACCCACACCCACC[TT>AC]CTCCTTGCAGCCCCTGAAGTGCATCATCAAGCACCCCAACGGGACCCAGGAGACCATCCT-3'